The following is an entry in ClinVar:

ClinVar aggregate classification (germline): Uncertain significance (1 of 4 stars; one submission).

Allele frequency attached by ClinVar (database versions not stated): gnomAD exomes 0.00001.
gnomAD v4.1: 12 of 1,614,006 alleles (0.00074%); highest among the groups gnomAD compares: Non-Finnish European, 0.001%; no homozygotes.

Submission:

Labcorp Genetics (formerly Invitae), Labcorp
Classification: Uncertain significance. Last evaluated: 2022-04-13. Review status: criteria provided, single submitter. Criteria: Invitae Variant Classification Sherloc (09022015). Collection method: clinical testing. Allele origin: germline.
Comment: This variant is not present in population databases (gnomAD no frequency). In summary, the available evidence is currently insufficient to determine the role of this variant in disease. Therefore, it has been classified as a Variant of Uncertain Significance. Algorithms developed to predict the effect of missense changes on protein structure and function are either unavailable or do not agree on the potential impact of this missense change (SIFT: "Tolerated"; PolyPhen-2: "Possibly Damaging"; Align-GVGD: "Class C0"). This variant has not been reported in the literature in individuals affected with FECH-related conditions. This sequence change replaces arginine, which is basic and polar, with lysine, which is basic and polar, at codon 272 of the FECH protein (p.Arg272Lys).

NM_000140.5(FECH):c.815G>A (p.Arg272Lys)

Gene: FECH (ferrochelatase; minus strand). Cytogenetic location: 18q21.31.
Variant type: single nucleotide variant.
Coding change: c.815G>A on transcript NM_000140.5 (MANE Select); coding-DNA position 815, G replaced by A.
Protein change: p.Arg272Lys; replaces arginine 272 with lysine.
Molecular consequence: missense variant.
Genome position (GRCh38, 1-based): chr18:57,554,942, C>T on the plus strand (G>A on the coding strand, the complement: FECH is on the minus strand). VCF-style: chr18-57554942-C-T. GRCh37 (hg19) VCF-style: chr18-55222174-C-T.
Other names: c.833G>A, p.Arg278Lys (NM_001012515.4); c.716G>A, p.Arg239Lys (NM_001371094.1); c.599G>A, p.Arg200Lys (NM_001371095.1); c.815G>A, p.Arg272Lys (NM_001374778.1); short protein forms R239K, R272K, R200K, R278K.
Identifiers: ClinVar variation 1932041 (VCV001932041.5), dbSNP rs2511518778, ClinGen allele CA402541538.
Genomic context (GRCh38, chr18:57,554,942, plus strand): 5'-TCCAGCCTTTCCATGACTTTTTGGACAGTGGCGCTTACCTCCTGAGGATATGGGTCGCCT[C>T]TGTTGACCACCTGCAGCAGAGACACAATGGGTGTTCAGCCATTAACACTGGGAAGGCCCC-3'
Protein context (NP_000131.2, residues 262-282): AHSLPMSVVN[Arg272Lys]GDPYPQEVSA